The following is an entry in ClinVar:

NM_019112.4(ABCA7):c.2691dup (p.Val898fs)

Gene: ABCA7 (ATP binding cassette subfamily A member 7; plus strand). Cytogenetic location: 19p13.3.
Variant type: Duplication.
Coding change: c.2691dup on transcript NM_019112.4 (MANE Select); coding-DNA position 2691, one base duplicated (C; older notation c.2691dupC).
Protein change: p.Val898fs; shifts the reading frame from valine 898.
Molecular consequence: frameshift variant.
Genome position (GRCh38, 1-based): chr19:1,051,161, C duplicated; the last of 2 consecutive C bases (chr19:1,051,160-1,051,161); duplicating either gives the same sequence. VCF-style (leftmost placement, unchanged base first): chr19-1051159-A-AC. GRCh37 (hg19) VCF-style: chr19-1051158-A-AC.
Other names: short protein forms V898fs.
Identifiers: ClinVar variation 2635089 (VCV002635089.2), dbSNP rs2512353998, ClinGen allele CA2695198104.

ClinVar aggregate classification (germline): Uncertain significance (1 of 4 stars; one submission).

Conditions:
ABCA7-related disorder. Also called: ABCA7-related condition.

Submission:

PreventionGenetics, part of Exact Sciences
Classification: Uncertain significance for ABCA7-related condition. Last evaluated: 2025-09-09. Review status: criteria provided, single submitter. Criteria: ACMG Guidelines, 2015. Collection method: clinical testing. Allele origin: germline.
Comment: The ABCA7 c.2691dupC variant is predicted to result in a frameshift and premature protein termination (p.Val898Argfs*103). To our knowledge, this variant has not been reported in the literature or in a large population database (gnomAD), indicating this variant is rare. Loss of function is not an established mechanism of ABCA7-related disease. Although we suspect that this variant may be pathogenic, at this time, the clinical significance of this variant is uncertain due to the absence of conclusive functional and genetic evidence.